The following is an entry in ClinVar:

ClinVar aggregate classification (germline): Uncertain significance (0 of 4 stars; one submission).

Conditions:
ARID1B-Related Disorder. Identifiers: MedGen CN381337.

gnomAD v4.1: 1 of 1,614,188 alleles (0.000062%); highest among the groups gnomAD compares: Non-Finnish European, 0.000085%; no homozygotes.

Submission:

PreventionGenetics, part of Exact Sciences
Classification: Uncertain significance for ARID1B-related condition. Last evaluated: 2024-02-27. Review status: no assertion criteria provided. Collection method: clinical testing. Allele origin: germline.
Comment: The ARID1B c.2452C>T variant is predicted to result in the amino acid substitution p.Pro818Ser. To our knowledge, this variant has not been reported in the literature or in a large population database, indicating this variant is rare. At this time, the clinical significance of this variant is uncertain due to the absence of conclusive functional and genetic evidence.

NM_001374828.1(ARID1B):c.2662C>T (p.Pro888Ser)

Gene: ARID1B (AT-rich interaction domain 1B; plus strand). Cytogenetic location: 6q25.3.
Variant type: single nucleotide variant.
Coding change: c.2662C>T on transcript NM_001374828.1 (MANE Select); coding-DNA position 2662, C replaced by T.
Protein change: p.Pro888Ser; replaces proline 888 with serine.
Molecular consequence: missense variant.
Genome position (GRCh38, 1-based): chr6:157,133,108, C>T. VCF-style: chr6-157133108-C-T. GRCh37 (hg19) VCF-style: chr6-157454242-C-T.
Other names: c.2413C>T, p.Pro805Ser (NM_001346813.1); c.163C>T, p.Pro55Ser (NM_001363725.2); c.2701C>T, p.Pro901Ser (NM_001371656.1, NM_001374820.1); c.2662C>T, p.Pro888Ser (NM_017519.3); c.2452C>T, p.Pro818Ser (NM_020732.3); c.2239C>T, p.Pro747Ser (NM_175863.2); short protein forms P55S, P747S, P805S, P818S, P888S, P901S.
Identifiers: ClinVar variation 3061378 (VCV003061378.2), dbSNP rs1421846561, ClinGen allele CA366388365.